The following is an entry in ClinVar:

ClinVar aggregate classification (germline): Uncertain significance (1 of 4 stars; one submission).

Submission:

GeneDx
Classification: Uncertain significance. Last evaluated: 2020-09-22. Review status: criteria provided, single submitter. Criteria: GeneDx Variant Classification Process June 2021. Collection method: clinical testing. Allele origin: germline. Affected: yes.
Comment: Not observed in large population cohorts (Lek 2016); In silico analysis supports that this missense variant has a deleterious effect on protein structure/function; Has not been previously published as pathogenic or benign to our knowledge

NM_032043.3(BRIP1):c.1381T>G (p.Tyr461Asp)

Gene: BRIP1 (BRCA1 interacting helicase 1; minus strand). Cytogenetic location: 17q23.2.
Variant type: single nucleotide variant.
Coding change: c.1381T>G on transcript NM_032043.3 (MANE Select); coding-DNA position 1381, T replaced by G.
Protein change: p.Tyr461Asp; replaces tyrosine 461 with aspartic acid.
Molecular consequence: missense variant.
Genome position (GRCh38, 1-based): chr17:61,793,689, A>C on the plus strand (T>G on the coding strand, the complement: BRIP1 is on the minus strand). VCF-style: chr17-61793689-A-C. GRCh37 (hg19) VCF-style: chr17-59871050-A-C.
Other names: short protein forms Y461D.
Identifiers: ClinVar variation 1318466 (VCV001318466.2), dbSNP rs2145243287, ClinGen allele CA400482240.